The following is an entry in ClinVar:

NM_016151.4(TAOK2):c.2249G>A (p.Arg750His)

Gene: TAOK2 (TAO kinase 2; plus strand). Cytogenetic location: 16p11.2.
Variant type: single nucleotide variant.
Coding change: c.2249G>A on transcript NM_016151.4 (MANE Select); coding-DNA position 2249, G replaced by A.
Protein change: p.Arg750His; replaces arginine 750 with histidine.
Molecular consequence: missense variant. On other transcripts: intron variant (2).
Genome position (GRCh38, 1-based): chr16:29,986,521, G>A. VCF-style: chr16-29986521-G-A. GRCh37 (hg19) VCF-style: chr16-29997842-G-A.
Other names: c.2232+17G>A (NM_004783.4, NM_001252043.2); short protein forms R750H.
Identifiers: ClinVar variation 1525030 (VCV001525030.6), dbSNP rs767834118, ClinGen allele CA7998342.

ClinVar aggregate classification (germline): Uncertain significance (1 of 4 stars; one submission).

Allele frequency attached by ClinVar (database versions not stated): ExAC 0.00002; gnomAD exomes 0.00002 and 0.00005; gnomAD 0.00003; TOPMed 0.00004.
gnomAD v4.1: 72 of 1,611,462 alleles (0.0045%); highest among the groups gnomAD compares: Non-Finnish European, 0.0058%; no homozygotes.

Submission:

Labcorp Genetics (formerly Invitae), Labcorp
Classification: Uncertain significance. Last evaluated: 2026-01-07. Review status: criteria provided, single submitter. Criteria: Invitae Variant Classification Sherloc (09022015). Collection method: clinical testing. Allele origin: germline.
Comment: This sequence change replaces arginine, which is basic and polar, with histidine, which is basic and polar, at codon 750 of the TAOK2 protein (p.Arg750His). The frequency data for this variant in the population databases is considered unreliable, as metrics indicate poor data quality at this position in the gnomAD database. This variant has not been reported in the literature in individuals affected with TAOK2-related conditions. ClinVar contains an entry for this variant (Variation ID: 1525030). An algorithm developed to predict the effect of missense changes on protein structure and function outputs the following: PolyPhen-2: "Benign". The histidine amino acid residue is found in multiple mammalian species, which suggests that this missense change does not adversely affect protein function. In summary, the available evidence is currently insufficient to determine the role of this variant in disease. Therefore, it has been classified as a Variant of Uncertain Significance.